The following is an entry in ClinVar:

ClinVar aggregate classification (germline): Uncertain significance (1 of 4 stars; one submission).

Conditions:
STAT3 gain of function. Identifiers: MedGen C4288261.
Hyper-IgE recurrent infection syndrome 1, autosomal dominant. Also called: JOB SYNDROME; HYPER-IgE SYNDROME 1, AUTOSOMAL DOMINANT, WITH RECURRENT INFECTIONS; STAT3 Hyper IgE Syndrome; Hyper-IgE recurrent infection syndrome 1; Job's Syndrome. Identifiers: Orphanet 2314, MedGen C2936739, MONDO:0007818, OMIM 147060.

Allele frequency attached by ClinVar (database versions not stated): gnomAD exomes below 0.00001; TOPMed below 0.00001.
gnomAD v4.1: 2 of 1,614,098 alleles (0.00012%); highest among the groups gnomAD compares: Non-Finnish European, 0.00017%; no homozygotes.

Submission:

Labcorp Genetics (formerly Invitae), Labcorp
Classification: Uncertain significance for STAT3 gain of function; Hyper-IgE recurrent infection syndrome 1, autosomal dominant. Last evaluated: 2025-01-20. Review status: criteria provided, single submitter. Criteria: Invitae Variant Classification Sherloc (09022015). Collection method: clinical testing. Allele origin: germline.
Comment: This sequence change replaces alanine, which is neutral and non-polar, with serine, which is neutral and polar, at codon 35 of the STAT3 protein (p.Ala35Ser). This variant is not present in population databases (gnomAD no frequency). This variant has not been reported in the literature in individuals affected with STAT3-related conditions. ClinVar contains an entry for this variant (Variation ID: 657535). Invitae Evidence Modeling of protein sequence and biophysical properties (such as structural, functional, and spatial information, amino acid conservation, physicochemical variation, residue mobility, and thermodynamic stability) indicates that this missense variant is not expected to disrupt STAT3 protein function with a negative predictive value of 80%. In summary, the available evidence is currently insufficient to determine the role of this variant in disease. Therefore, it has been classified as a Variant of Uncertain Significance.

NM_139276.3(STAT3):c.103G>T (p.Ala35Ser)

Gene: STAT3 (signal transducer and activator of transcription 3; minus strand). Cytogenetic location: 17q21.2.
Variant type: single nucleotide variant.
Coding change: c.103G>T on transcript NM_139276.3 (MANE Select); coding-DNA position 103, G replaced by T.
Protein change: p.Ala35Ser; replaces alanine 35 with serine.
Molecular consequence: missense variant.
Genome position (GRCh38, 1-based): chr17:42,348,414, C>A on the plus strand (G>T on the coding strand, the complement: STAT3 is on the minus strand). VCF-style: chr17-42348414-C-A. GRCh37 (hg19) VCF-style: chr17-40500432-C-A.
Other names: c.103G>T, p.Ala35Ser (NM_001369520.1, NM_001384984.1, NM_001384985.1 and 17 more transcripts); short protein forms A35S.
Identifiers: ClinVar variation 657535 (VCV000657535.9), dbSNP rs748204289, ClinGen allele CA290747730.